The following is an entry in ClinVar:

NM_002335.4(LRP5):c.1508G>A (p.Gly503Glu)

Gene: LRP5 (LDL receptor related protein 5; plus strand). Cytogenetic location: 11q13.2.
Variant type: single nucleotide variant.
Coding change: c.1508G>A on transcript NM_002335.4 (MANE Select); coding-DNA position 1508, G replaced by A.
Protein change: p.Gly503Glu; replaces glycine 503 with glutamic acid.
Molecular consequence: missense variant. On other transcripts: intron variant (1).
Genome position (GRCh38, 1-based): chr11:68,389,976, G>A. VCF-style: chr11-68389976-G-A. GRCh37 (hg19) VCF-style: chr11-68157444-G-A.
Other names: c.-354+3264G>A (NM_001291902.2); short protein forms G503E.
Identifiers: ClinVar variation 3050452 (VCV003050452.2), dbSNP rs1457967571, ClinGen allele CA381613111.

ClinVar aggregate classification (germline): Uncertain significance (0 of 4 stars; one submission).

Conditions:
LRP5-related disorder. Also called: LRP5-related condition.

gnomAD v4.1: 1 of 1,614,138 alleles (0.000062%); highest among the groups gnomAD compares: Non-Finnish European, 0.000085%; no homozygotes.

Submission:

PreventionGenetics, part of Exact Sciences
Classification: Uncertain significance for LRP5-related condition. Last evaluated: 2023-11-16. Review status: no assertion criteria provided. Collection method: clinical testing. Allele origin: germline.
Comment: The LRP5 c.1508G>A variant is predicted to result in the amino acid substitution p.Gly503Glu. To our knowledge, this variant has not been reported in the literature. Of note, a different substitution at the same codon defined as c.1507G>A (p.Gly503Arg) has been reported in individuals with familial exudative vitreoretinopathy or inherited retinal disease (Yuqing et al. 2017. PubMed ID: 28420620; Karali et al. 2022. PubMed ID: 36460718, supplementary table S1). The p.Gly503Glu variant is reported in 0.00088% of alleles in individuals of European (Non-Finnish) descent in gnomAD. At this time, the clinical significance of this variant is uncertain due to the absence of conclusive functional and genetic evidence.